The following is an entry in ClinVar:

ClinVar aggregate classification (germline): Benign/Likely benign. Review status: criteria provided, multiple submitters, no conflicts (2 of 4 stars). 24 submissions from 18 submitters: Benign (16); Likely benign (4). 4 of the submissions do not count toward it. Last evaluated 2026-10-01.

Conditions:
Wilms tumor 1 (WT1). Also called: Wilms tumor, somatic. Identifiers: Orphanet 654, MedGen CN033288, MONDO:0008679, OMIM 194070.
11p partial monosomy syndrome (WAGR). Also called: WAGR Spectrum Disorder; WAGR syndrome; CHROMOSOME 11p13 DELETION SYNDROME; WAGR Complex. Identifiers: Orphanet 893, MedGen C0206115, MONDO:0008681, OMIM 194072.
Frasier syndrome. Identifiers: Orphanet 347, MedGen C0950122, MeSH D052159, MONDO:0007635, OMIM 136680.
Drash syndrome (DDS). Also called: WILMS TUMOR AND PSEUDO- OR TRUE HERMAPHRODITISM; NEPHROPATHY, WILMS TUMOR, AND GENITAL ANOMALIES. Identifiers: Orphanet 220, MedGen C0950121, MONDO:0008682, OMIM 194080.
Hereditary cancer-predisposing syndrome. Also called: Hereditary neoplastic syndrome; Hereditary Cancer Syndrome; Neoplastic Syndromes, Hereditary; Tumor predisposition. Identifiers: Orphanet 140162, MedGen C0027672, MeSH D009386, MONDO:0015356.
Atypical hemolytic-uremic syndrome. Identifiers: Orphanet 2134, MedGen C2931788, MONDO:0016244.
Nephrotic syndrome, type 4 (NPHS4). Also called: Familial mesangial sclerosis; Nephrotic syndrome, early onset with diffuse mesangial sclerosis. Identifiers: Orphanet 656, MedGen C3151568, MONDO:0009733, OMIM 256370.
Meacham syndrome. Also called: Meacham Winn Culler syndrome. Identifiers: Orphanet 3097, MedGen C1837026, MONDO:0012164, OMIM 608978.

Allele frequency attached by ClinVar (database versions not stated): 1000 Genomes Project 0.00160; 1000 Genomes Project 30x 0.00172; TOPMed 0.00417; gnomAD 0.00433 and 0.00465; gnomAD exomes 0.00443 and 0.00646; ExAC 0.00444; ESP Exome Variant Server 0.00485.
gnomAD v4.1: 10,003 of 1,613,418 alleles (0.62%); highest among the groups gnomAD compares: Non-Finnish European, 0.75%; 36 homozygotes.

Submissions (24):

CeGaT Center for Human Genetics Tuebingen
Classification: Benign. Last evaluated: 2026-10-01. Review status: criteria provided, single submitter. Criteria: CeGaT Center For Human Genetics Tuebingen Variant Classification Criteria Version 2. Collection method: clinical testing. Allele origin: germline. Affected: yes. Observed: 63 variant alleles.
Comment: WT1: BS1, BS2

Labcorp Genetics (formerly Invitae), Labcorp
Classification: Benign for Wilms tumor 1; Drash syndrome; 11p partial monosomy syndrome; Frasier syndrome. Last evaluated: 2026-02-03. Review status: criteria provided, single submitter. Criteria: Invitae Variant Classification Sherloc (09022015). Collection method: clinical testing. Allele origin: germline.

Mayo Clinic Laboratories, Mayo Clinic
Classification: Benign. Last evaluated: 2025-10-13. Review status: criteria provided, single submitter. Criteria: ACMG Guidelines, 2015. Collection method: clinical testing. Allele origin: germline. Observed: 2 variant alleles.
Comment: BS1, BS2, BP4, BP7

KCCC/NGS Laboratory, Kuwait Cancer Control Center
Classification: Benign for Wilms tumor 1. Last evaluated: 2025-02-01. Review status: criteria provided, single submitter. Criteria: ACMG Guidelines, 2015. Collection method: clinical testing. Allele origin: germline. Affected: no.

Blueprint Genetics
Classification: Likely benign. Last evaluated: 2024-11-26. Review status: criteria provided, single submitter. Criteria: ACMG Guidelines, 2015. Collection method: clinical testing. Allele origin: germline.

Women's Health and Genetics/Laboratory Corporation of America, LabCorp
Classification: Benign. Last evaluated: 2023-03-25. Review status: criteria provided, single submitter. Criteria: LabCorp Variant Classification Summary - May 2015. Collection method: clinical testing. Allele origin: germline.

Color Diagnostics, LLC DBA Color Health
Classification: Benign for Wilms tumor 1. Last evaluated: 2022-08-17. Review status: criteria provided, single submitter. Criteria: ACMG Guidelines, 2015. Collection method: clinical testing. Allele origin: germline.

Genome-Nilou Lab
Classification: Benign for Drash syndrome. Last evaluated: 2021-12-05. Review status: criteria provided, single submitter. Criteria: ACMG Guidelines, 2015. Collection method: clinical testing. Allele origin: germline. Affected: no.

Genome-Nilou Lab
Classification: Benign for Frasier syndrome. Last evaluated: 2021-12-05. Review status: criteria provided, single submitter. Criteria: ACMG Guidelines, 2015. Collection method: clinical testing. Allele origin: germline. Affected: no.

Genome-Nilou Lab
Classification: Benign for Meacham syndrome. Last evaluated: 2021-12-05. Review status: criteria provided, single submitter. Criteria: ACMG Guidelines, 2015. Collection method: clinical testing. Allele origin: germline. Affected: no.

Genome-Nilou Lab
Classification: Benign for Nephrotic syndrome, type 4. Last evaluated: 2021-12-05. Review status: criteria provided, single submitter. Criteria: ACMG Guidelines, 2015. Collection method: clinical testing. Allele origin: germline. Affected: no.

Genome-Nilou Lab
Classification: Benign for Wilms tumor 1. Last evaluated: 2021-12-05. Review status: criteria provided, single submitter. Criteria: ACMG Guidelines, 2015. Collection method: clinical testing. Allele origin: germline. Affected: no.

ARUP Laboratories, Molecular Genetics and Genomics, ARUP Laboratories
Classification: Benign. Last evaluated: 2021-10-21. Review status: criteria provided, single submitter. Criteria: ARUP Molecular Germline Variant Investigation Process 2021. Collection method: clinical testing. Allele origin: germline.

Sema4
Classification: Likely benign for Hereditary cancer-predisposing syndrome. Last evaluated: 2021-03-10. Review status: criteria provided, single submitter. Criteria: Sema4 Curation Guidelines. Collection method: curation. Allele origin: germline.

Genome Diagnostics Laboratory, The Hospital for Sick Children
Classification: Likely benign for Atypical hemolytic-uremic syndrome. Last evaluated: 2018-06-01. Review status: criteria provided, single submitter. Criteria: ACMG Guidelines, 2015. Collection method: clinical testing. Allele origin: germline.

Illumina Laboratory Services, Illumina
Classification: Benign for Wilms tumor 1. Last evaluated: 2018-01-13. Review status: criteria provided, single submitter. Criteria: ICSL Variant Classification Criteria 13 December 2019. Collection method: clinical testing. Allele origin: germline.
Comment: This variant was observed in the ICSL laboratory as part of a predisposition screen in an ostensibly healthy population. It had not been previously curated by ICSL or reported in the Human Gene Mutation Database (HGMD: prior to June 1st, 2018), and was therefore a candidate for classification through an automated scoring system. Utilizing variant allele frequency, disease prevalence and penetrance estimates, and inheritance mode, an automated score was calculated to assess if this variant is too frequent to cause the disease. Based on the score and internal cut-off values, a variant classified as benign is not then subjected to further curation. The score for this variant resulted in a classification of benign for this disease.

Illumina Laboratory Services, Illumina
Classification: Likely benign for Nephrotic syndrome, type 4. Last evaluated: 2018-01-13. Review status: criteria provided, single submitter. Criteria: ICSL Variant Classification Criteria 13 December 2019. Collection method: clinical testing. Allele origin: germline.
Comment: This variant was observed in the ICSL laboratory as part of a predisposition screen in an ostensibly healthy population. It had not been previously curated by ICSL or reported in the Human Gene Mutation Database (HGMD: prior to June 1st, 2018), and was therefore a candidate for classification through an automated scoring system. Utilizing variant allele frequency, disease prevalence and penetrance estimates, and inheritance mode, an automated score was calculated to assess if this variant is too frequent to cause the disease. Based on the score and internal cut-off values, a variant classified as likely benign is not then subjected to further curation. The score for this variant resulted in a classification of likely benign for this disease.

Illumina Laboratory Services, Illumina
Classification: Benign for Meacham syndrome. Last evaluated: 2018-01-13. Review status: criteria provided, single submitter. Criteria: ICSL Variant Classification Criteria 13 December 2019. Collection method: clinical testing. Allele origin: germline.
Comment: the same text as in the submission from Illumina Laboratory Services, Illumina above.

GeneDx
Classification: Benign. Last evaluated: 2017-06-26. Review status: criteria provided, single submitter. Criteria: GeneDx Variant Classification (06012015). Collection method: clinical testing. Allele origin: germline. Affected: yes.
Comment: This variant is considered likely benign or benign based on one or more of the following criteria: it is a conservative change, it occurs at a poorly conserved position in the protein, it is predicted to be benign by multiple in silico algorithms, and/or has population frequency not consistent with disease.

PreventionGenetics, part of Exact Sciences
Classification: Benign. Review status: criteria provided, single submitter. Criteria: ACMG Guidelines, 2015. Collection method: clinical testing. Allele origin: germline.

Clinical Genetics DNA and cytogenetics Diagnostics Lab, Erasmus MC, Erasmus Medical Center
Classification: Likely benign. Review status: no assertion criteria provided. Collection method: clinical testing. Allele origin: germline. Affected: yes. Study: VKGL Data-share Consensus. Not counted in ClinVar's aggregate classification.

Diagnostic Laboratory, Department of Genetics, University Medical Center Groningen
Classification: Likely benign. Review status: no assertion criteria provided. Collection method: clinical testing. Allele origin: germline. Affected: yes. Study: VKGL Data-share Consensus. Not counted in ClinVar's aggregate classification.

Genome Diagnostics Laboratory, Amsterdam University Medical Center
Classification: Likely benign. Review status: no assertion criteria provided. Collection method: clinical testing. Allele origin: germline. Affected: yes. Study: VKGL Data-share Consensus. Not counted in ClinVar's aggregate classification.

Genome Diagnostics Laboratory, University Medical Center Utrecht
Classification: Likely benign. Review status: no assertion criteria provided. Collection method: clinical testing. Allele origin: germline. Affected: yes. Study: VKGL Data-share Consensus. Not counted in ClinVar's aggregate classification.

Literature cited by the submitters: PubMed 19221039 (cited by Women's Health and Genetics/Laboratory Corporation of America, LabCorp); PubMed 20435628 (cited by Women's Health and Genetics/Laboratory Corporation of America, LabCorp); PubMed 20413658 (cited by Women's Health and Genetics/Laboratory Corporation of America, LabCorp); PubMed 19171881 (cited by Women's Health and Genetics/Laboratory Corporation of America, LabCorp); PubMed 20368469 (cited by Women's Health and Genetics/Laboratory Corporation of America, LabCorp); PubMed 25110071 (cited by Women's Health and Genetics/Laboratory Corporation of America, LabCorp); PubMed 25932436 (cited by Women's Health and Genetics/Laboratory Corporation of America, LabCorp); PubMed 18559874 (cited by Women's Health and Genetics/Laboratory Corporation of America, LabCorp); PubMed 19536888 (cited by Women's Health and Genetics/Laboratory Corporation of America, LabCorp); PubMed 26725263 (cited by Women's Health and Genetics/Laboratory Corporation of America, LabCorp); PubMed 19494353 (cited by Women's Health and Genetics/Laboratory Corporation of America, LabCorp); PubMed 18591546 (cited by Women's Health and Genetics/Laboratory Corporation of America, LabCorp).

NM_024426.6(WT1):c.1114-9T>C

Gene: WT1 (WT1 transcription factor; minus strand). Cytogenetic location: 11p13.
Variant type: single nucleotide variant.
Coding change: c.1114-9T>C on transcript NM_024426.6 (MANE Select); 9 bases into the intron before coding-DNA position 1114, T replaced by C.
Molecular consequence: intron variant.
Genome position (GRCh38, 1-based): chr11:32,396,416, A>G on the plus strand (T>C on the coding strand, the complement: WT1 is on the minus strand). VCF-style: chr11-32396416-A-G. GRCh37 (hg19) VCF-style: chr11-32417962-A-G.
Other names: p.?; c.1099-9T>C (NM_024426.3); c.940-9T>C (NM_001407050.1); c.991-9T>C (NM_001407047.1); c.1063-9T>C (NM_001407048.1, NM_001407049.1, NM_000378.6 and 1 more transcripts); c.1108-9T>C (NM_001407044.1); c.1114-9T>C (NM_001407046.1, NM_024424.5); c.352-9T>C (NM_001407051.1); and 3 more.
Identifiers: ClinVar variation 241475 (VCV000241475.68), dbSNP rs5030274, ClinGen allele CA064226.
Genomic context (GRCh38, chr11:32,396,416, plus strand): 5'-CAGATGCCGACCGTACAAGAGTCGGGGCTACTCCAGGCACACGTCGCACATCCTGCAGGC[A>G]GAGAGTAAGAGGAAGGGAGGCTTTAAGCCACATGTGAACATTCACGTAGGTCTTGAGGGA-3'